The following is an entry in ClinVar:

NM_002691.4(POLD1):c.2954-2A>G

Gene: POLD1 (DNA polymerase delta 1, catalytic subunit; plus strand). Cytogenetic location: 19q13.33.
Variant type: single nucleotide variant.
Coding change: c.2954-2A>G on transcript NM_002691.4 (MANE Select); the canonical splice acceptor site of the intron before coding-DNA position 2954, A replaced by G.
Molecular consequence: splice acceptor variant.
Genome position (GRCh38, 1-based): chr19:50,416,608, A>G. VCF-style: chr19-50416608-A-G. GRCh37 (hg19) VCF-style: chr19-50919865-A-G.
Other names: c.2954-2A>G (NM_001256849.1, NM_002691.2); c.3032-2A>G (NM_001308632.1).
Identifiers: ClinVar variation 4140977 (VCV004140977.1), dbSNP rs1022546996.

ClinVar aggregate classification (germline): Uncertain significance (1 of 4 stars; one submission).

Conditions:
Hereditary cancer-predisposing syndrome. Also called: Hereditary neoplastic syndrome; Neoplastic Syndromes, Hereditary; Tumor predisposition; Hereditary Cancer Syndrome. Identifiers: Orphanet 140162, MedGen C0027672, MeSH D009386, MONDO:0015356.

Submission:

Ambry Genetics
Classification: Uncertain significance for Hereditary cancer-predisposing syndrome. Last evaluated: 2025-07-25. Review status: criteria provided, single submitter. Criteria: Ambry Variant Classification Scheme 2023. Collection method: clinical testing. Allele origin: germline.
Comment: The c.2954-2A>G intronic variant results from an A to G substitution two nucleotides upstream from coding exon 23 in the POLD1 gene. Alterations that disrupt the canonical splice site are expected to result in aberrant splicing. In silico splice site analysis predicts that this alteration will weaken the native splice acceptor site. A resulting transcript is predicted to be in-frame and is not expected to trigger nonsense-mediated mRNAdecay; although, direct evidence is unavailable. This nucleotide position is highly conserved in available vertebrate species. Based on the available evidence, the clinical significance of this variant remains unclear.